The following is an entry in ClinVar:

ClinVar aggregate classification (germline): Likely pathogenic. Review status: criteria provided, single submitter (1 of 4 stars). 2 submissions from 2 submitters: Likely pathogenic (1). 1 of the submissions does not count toward it. Last evaluated 2023-02-23.

Conditions:
Osteogenesis imperfecta with normal sclerae, dominant form (OI4). Also called: OSTEOGENESIS IMPERFECTA WITH NORMAL SCLERAE; OSTEOGENESIS IMPERFECTA, TYPE IV, WITH DENTINOGENESIS IMPERFECTA; Osteogenesis imperfecta type 4; Osteogenesis Imperfecta Type IV; Common Variable Osteogenesis Imperfecta with Normal Sclerae. Identifiers: Orphanet 216820, Orphanet 666, MedGen C0268363, MONDO:0008148, OMIM 166220.

Submissions (2):

3billion
Classification: Likely pathogenic for Osteogenesis imperfecta with normal sclerae, dominant form. Last evaluated: 2023-02-23. Review status: criteria provided, single submitter. Criteria: ACMG Guidelines, 2015. Collection method: clinical testing. Allele origin: unknown. Affected: yes.
Comment: The variant is not observed in the gnomAD v2.1.1 dataset. Missense changes are a common disease-causing mechanism. In silico tool predictions suggest damaging effect of the variant on gene or gene product (REVEL: 0.98; 3Cnet: 0.86). Same nucleotide change resulting in same amino acid change has been previously reported to be associated with COL1A1 related disorder (ClinVar ID: VCV000017295 / PMID: 2745420). The variant has been observed in at least two similarly affected unrelated individuals (PMID: 2745420 ‚Äö 8456809). Therefore, this variant is classified as Likely pathogenic according to the recommendation of ACMG/AMP guideline.

OMIM
Classification: Pathogenic for OSTEOGENESIS IMPERFECTA, TYPE IV. Last evaluated: 1993-01-15. Review status: no assertion criteria provided. Collection method: literature only. Allele origin: germline. Not counted in ClinVar's aggregate classification.

Literature cited by the submitters: PubMed 2745420 (cited by 3billion and OMIM); PubMed 8456809 (cited by OMIM).

NM_000088.4(COL1A1):c.3028G>A (p.Gly1010Ser)

Gene: COL1A1 (collagen type I alpha 1 chain; minus strand). Cytogenetic location: 17q21.33.
Variant type: single nucleotide variant.
Coding change: c.3028G>A on transcript NM_000088.4 (MANE Select); coding-DNA position 3028, G replaced by A.
Protein change: p.Gly1010Ser; replaces glycine 1010 with serine.
Molecular consequence: missense variant.
Genome position (GRCh38, 1-based): chr17:50,188,920, C>T on the plus strand (G>A on the coding strand, the complement: COL1A1 is on the minus strand). VCF-style: chr17-50188920-C-T. GRCh37 (hg19) VCF-style: chr17-48266281-C-T.
Other names: G832S; short protein forms G1010S.
Identifiers: ClinVar variation 17295 (VCV000017295.3), dbSNP rs72653169, ClinGen allele CA257839.